The following is an entry in ClinVar:

NM_139056.4(ADAMTS16):c.964-8T>A

Gene: ADAMTS16 (ADAM metallopeptidase with thrombospondin type 1 motif 16; plus strand). Cytogenetic location: 5p15.32.
Variant type: single nucleotide variant.
Coding change: c.964-8T>A on transcript NM_139056.4 (MANE Select); 8 bases into the intron before coding-DNA position 964, T replaced by A.
Molecular consequence: intron variant.
Genome position (GRCh38, 1-based): chr5:5,187,717, T>A. VCF-style: chr5-5187717-T-A. GRCh37 (hg19) VCF-style: chr5-5187830-T-A.
Identifiers: ClinVar variation 2655282 (VCV002655282.24), dbSNP rs144922795, ClinGen allele CA3189499.
Genomic context (GRCh38, chr5:5,187,717, plus strand): 5'-AGGCCCGCTAGTAAGTAGGGGGGAAAATGCCATTTATGGGGCTGACATGGATTTCCTGTC[T>A]TTTTCAGGTATCTGCTTTATTCAAAGATGGAACAATAGGAGGAAACATCAACATTGCAAT-3'

ClinVar aggregate classification (germline): Likely benign (1 of 4 stars; one submission).

Allele frequency attached by ClinVar (database versions not stated): gnomAD exomes 0.00012; ExAC 0.00034; ESP Exome Variant Server 0.00117; TOPMed 0.00119; 1000 Genomes Project 0.00120; gnomAD 0.00121; 1000 Genomes Project 30x 0.00156.
gnomAD v4.1: 357 of 1,603,808 alleles (0.022%); highest among the groups gnomAD compares: African/African-American, 0.44%; 4 homozygotes.

Submission:

CeGaT Center for Human Genetics Tuebingen
Classification: Likely benign. Last evaluated: 2022-03-01. Review status: criteria provided, single submitter. Criteria: CeGaT Center For Human Genetics Tuebingen Variant Classification Criteria Version 2. Collection method: clinical testing. Allele origin: germline. Affected: yes. Observed: 1 variant allele.
Comment: ADAMTS16: BP4